The following is an entry in ClinVar:

NM_000384.3(APOB):c.2436+102A>G

Gene: APOB (apolipoprotein B; minus strand). Cytogenetic location: 2p24.1.
Variant type: single nucleotide variant.
Coding change: c.2436+102A>G on transcript NM_000384.3 (MANE Select); 102 bases into the intron after coding-DNA position 2436, A replaced by G.
Molecular consequence: intron variant.
Genome position (GRCh38, 1-based): chr2:21,024,831, T>C on the plus strand (A>G on the coding strand, the complement: APOB is on the minus strand). VCF-style: chr2-21024831-T-C. GRCh37 (hg19) VCF-style: chr2-21247703-T-C.
Other names: c.2436+102A>G (NM_000384.2).
Identifiers: ClinVar variation 3024968 (VCV003024968.23), dbSNP rs576999094, ClinGen allele CA056167.

ClinVar aggregate classification (germline): Likely benign. Review status: criteria provided, multiple submitters, no conflicts (2 of 4 stars). 2 submissions from 2 submitters: Likely benign (2). Last evaluated 2025-09-01.

Allele frequency attached by ClinVar (database versions not stated): gnomAD 0.00042; TOPMed 0.00043; ExAC 0.00049; gnomAD exomes 0.00049.

Submissions (2):

CeGaT Center for Human Genetics Tuebingen
Classification: Likely benign. Last evaluated: 2025-09-01. Review status: criteria provided, single submitter. Criteria: CeGaT Center For Human Genetics Tuebingen Variant Classification Criteria Version 2. Collection method: clinical testing. Allele origin: germline. Affected: yes. Observed: 4 variant alleles.
Comment: APOB: BP4

Molecular Diagnostic Laboratory for Inherited Cardiovascular Disease, Montreal Heart Institute
Classification: Likely benign. Last evaluated: 2025-04-09. Review status: criteria provided, single submitter. Criteria: ACMG Guidelines, 2015. Collection method: clinical testing. Allele origin: germline. Affected: no.